The following is an entry in ClinVar:

NM_015443.4(KANSL1):c.2951C>T (p.Ser984Phe)

Gene: KANSL1 (KAT8 regulatory NSL complex subunit 1). Cytogenetic location: 17q21.31.
Variant type: single nucleotide variant.
Coding change: c.2951C>T on transcript NM_015443.4 (MANE Select); coding-DNA position 2951, C replaced by T.
Protein change: p.Ser984Phe; replaces serine 984 with phenylalanine.
Molecular consequence: missense variant. On other transcripts: intron variant (4).
Genome position (GRCh38, 1-based): chr17:46,032,186, G>A on the plus strand (C>T on the coding strand, the complement: KANSL1 is on the minus strand). VCF-style: chr17-46032186-G-A. GRCh37 (hg19) VCF-style: chr17-44109552-G-A.
Other names: c.2948C>T, p.Ser983Phe (NM_001193465.2, NM_001405856.1, NM_001405857.1 and 1 more transcripts); c.2951C>T, p.Ser984Phe (NM_001193466.2, NM_001379198.1, NM_001405854.1 and 1 more transcripts); c.2849C>T, p.Ser950Phe (NM_001405859.1, NM_001405860.1); c.2846C>T, p.Ser949Phe (NM_001405861.1); c.2762C>T, p.Ser921Phe (NM_001405875.1, NM_001405876.1, NM_001405877.1 and 1 more transcripts); c.2759C>T, p.Ser920Phe (NM_001405879.1, NM_001405880.1); c.1685C>T, p.Ser562Phe (NM_001405882.1); c.1682C>T, p.Ser561Phe (NM_001405883.1); and 4 more; short protein forms S498F, S499F, S561F, S562F, S920F, S921F, S949F, S950F.
Identifiers: ClinVar variation 3351078 (VCV003351078.1).

ClinVar aggregate classification (germline): Uncertain significance (0 of 4 stars; one submission).

Conditions:
KANSL1-related disorder. Also called: KANSL1-related condition.

Submission:

PreventionGenetics, part of Exact Sciences
Classification: Uncertain significance for KANSL1-related condition. Last evaluated: 2024-04-29. Review status: no assertion criteria provided. Collection method: clinical testing. Allele origin: germline.
Comment: The KANSL1 c.2951C>T variant is predicted to result in the amino acid substitution p.Ser984Phe. To our knowledge, this variant has not been reported in the literature or in gnomAD, indicating this variant is rare. At this time, the clinical significance of this variant is uncertain due to the absence of conclusive functional and genetic evidence.